The following is an entry in ClinVar:

NM_016579.4(CD320):c.204_205delinsAA (p.Pro69Thr)

Gene: CD320 (CD320 molecule; minus strand). Cytogenetic location: 19p13.2.
Variant type: Indel.
Coding change: c.204_205delinsAA on transcript NM_016579.4 (MANE Select); coding-DNA positions 204 to 205, GC replaced by AA.
Protein change: p.Pro69Thr; replaces proline 69 with threonine.
Molecular consequence: missense variant. On other transcripts: intron variant (1).
Genome position (GRCh38, 1-based): chr19:8,305,094-8,305,095, GC replaced by TT on the plus strand (GC replaced by AA on the coding strand, the reverse complement: CD320 is on the minus strand). VCF-style: chr19-8305094-GC-TT. GRCh37 (hg19) VCF-style: chr19-8369978-GC-TT.
Other names: c.143-1007_143-1006delinsAA (NM_001165895.2); short protein forms P69T.
Identifiers: ClinVar variation 3607310 (VCV003607310.2).

ClinVar aggregate classification (germline): Uncertain significance (1 of 4 stars; one submission).

Conditions:
Methylmalonic acidemia due to transcobalamin receptor defect (MATR). Also called: METHYLMALONIC ACIDURIA, TRANSIENT, DUE TO TRANSCOBALAMIN RECEPTOR DEFECT; METHYLMALONIC ACIDEMIA, TCblR TYPE. Identifiers: Orphanet 280183, MedGen C4749905, MONDO:0013341, OMIM 613646.

Submission:

Labcorp Genetics (formerly Invitae), Labcorp
Classification: Uncertain significance for Methylmalonic acidemia due to transcobalamin receptor defect. Last evaluated: 2024-11-08. Review status: criteria provided, single submitter. Criteria: Invitae Variant Classification Sherloc (09022015). Collection method: clinical testing. Allele origin: germline.
Comment: This sequence change replaces proline, which is neutral and non-polar, with threonine, which is neutral and polar, at codon 69 of the CD320 protein (p.Pro69Thr). Information on the frequency of this variant in the gnomAD database is not available, as this variant may be reported differently in the database. This variant has not been reported in the literature in individuals affected with CD320-related conditions. Experimental studies and prediction algorithms are not available or were not evaluated, and the functional significance of this variant is currently unknown. In summary, the available evidence is currently insufficient to determine the role of this variant in disease. Therefore, it has been classified as a Variant of Uncertain Significance.